The following is an entry in ClinVar:

ClinVar aggregate classification (germline): Uncertain significance (1 of 4 stars; one submission).

Allele frequency attached by ClinVar (database versions not stated): gnomAD exomes below 0.00001.
gnomAD v4.1: 1 of 1,614,190 alleles (0.000062%); highest among the groups gnomAD compares: Non-Finnish European, 0.000085%; no homozygotes.

Submission:

Ambry Genetics
Classification: Uncertain significance. Last evaluated: 2022-02-06. Review status: criteria provided, single submitter. Criteria: Ambry Variant Classification Scheme 2023. Collection method: clinical testing. Allele origin: germline.
Comment: The p.D328G variant (also known as c.983A>G), located in coding exon 3 of the TERF2IP gene, results from an A to G substitution at nucleotide position 983. The aspartic acid at codon 328 is replaced by glycine, an amino acid with similar properties. This amino acid position is conserved. In addition, this alteration is predicted to be tolerated by in silico analysis. Since supporting evidence is limited at this time, the clinical significance of this alteration remains unclear.

NM_018975.4(TERF2IP):c.983A>G (p.Asp328Gly)

Gene: TERF2IP (TERF2 interacting protein; plus strand). Cytogenetic location: 16q23.1.
Variant type: single nucleotide variant.
Coding change: c.983A>G on transcript NM_018975.4 (MANE Select); coding-DNA position 983, A replaced by G.
Protein change: p.Asp328Gly; replaces aspartic acid 328 with glycine.
Molecular consequence: missense variant. On other transcripts: non-coding transcript variant (1).
Genome position (GRCh38, 1-based): chr16:75,656,394, A>G. VCF-style: chr16-75656394-A-G. GRCh37 (hg19) VCF-style: chr16-75690292-A-G.
Other names: short protein forms D328G.
Identifiers: ClinVar variation 1768353 (VCV001768353.2), dbSNP rs2151820801, ClinGen allele CA396820016.
Genomic context (GRCh38, chr16:75,656,394, plus strand): 5'-AACCAGAGGTGGGAGCTGCCATTAAGATCATTCGGCAGTTAATGGAGAAGTTTAACTTGG[A>G]TCTATCAACAGTTACACAGGCCTTCCTAAAAAATAGTGGTGAGCTGGAGGCTACTTCCGC-3'
Protein context (NP_061848.2, residues 318-338): IRQLMEKFNL[Asp328Gly]LSTVTQAFLK